The following is an entry in ClinVar:

ClinVar aggregate classification (germline): Uncertain significance (1 of 4 stars; one submission).

Conditions:
Autosomal dominant cerebellar ataxia. Also called: Spinocerebellar Ataxia, Dominant. Identifiers: Orphanet 99, MedGen C4087347, MONDO:0020380.

Submission:

Molecular Genetics, Royal Melbourne Hospital
Classification: Uncertain significance for Autosomal dominant cerebellar ataxia. Last evaluated: 2023-03-30. Review status: criteria provided, single submitter. Criteria: ACMG Guidelines, 2015. Collection method: clinical testing. Allele origin: germline. Affected: yes.
Comment: This sequence change is predicted to replace serine with arginine at codon 1873 of the ITPR1 protein (p.Ser1873Arg). The serine residue is highly conserved (100 vertebrates, UCSC), and is located in the cytoplasmic coupling/regulatory domain (PMID: 28659154). There is a large physicochemical difference between serine and arginine. The variant is absent in a large population cohort (PM2; gnomAD v2.1, v3), and has not been reported in the relevant medical literature and databases. Multiple lines of computational evidence predict a deleterious effect for the missense substitution (PP3; 5/6 algorithms). Based on the classification scheme RMH ACMG Guidelines v1.2.1, this variant is classified as a VARIANT OF UNCERTAIN SIGNIFICANCE. Following criteria are met: PM2, PP3.

Literature cited by the submitters: PubMed 28659154.

NM_001378452.1(ITPR1):c.5664T>A (p.Ser1888Arg)

Gene: ITPR1 (inositol 1,4,5-trisphosphate receptor type 1; plus strand). Cytogenetic location: 3p26.1.
Variant type: single nucleotide variant.
Coding change: c.5664T>A on transcript NM_001378452.1 (MANE Select); coding-DNA position 5664, T replaced by A.
Protein change: p.Ser1888Arg; replaces serine 1888 with arginine.
Molecular consequence: missense variant.
Genome position (GRCh38, 1-based): chr3:4,766,649, T>A. VCF-style: chr3-4766649-T-A. GRCh37 (hg19) VCF-style: chr3-4808333-T-A.
Other names: c.5520T>A, p.Ser1840Arg (NM_001099952.4); c.5619T>A, p.Ser1873Arg (NM_001168272.2); c.5475T>A, p.Ser1825Arg (NM_002222.7); short protein forms S1825R, S1840R, S1873R, S1888R.
Identifiers: ClinVar variation 1678601 (VCV001678601.2), dbSNP rs2125373123, ClinGen allele CA351633789.